The following is an entry in ClinVar:

ClinVar aggregate classification (germline): Pathogenic/Likely pathogenic. Review status: criteria provided, multiple submitters, no conflicts (2 of 4 stars). 2 submissions from 2 submitters: Pathogenic (1); Likely pathogenic (1). Last evaluated 2024-01-29.

Conditions:
CRB1-related disorder. Also called: CRB1-related disorders; CRB1-related condition.
Retinitis pigmentosa 12 (RP12). Also called: RP WITH OR WITHOUT PRESERVED PARAARTERIOLE RETINAL PIGMENT EPITHELIUM; RETINITIS PIGMENTOSA WITH OR WITHOUT PARAARTERIOLAR PRESERVATION OF RETINAL PIGMENT EPITHELIUM; RP WITH OR WITHOUT PPRPE. Identifiers: Orphanet 791, MedGen C1838647, MONDO:0010818, OMIM 600105.
Leber congenital amaurosis 8 (LCA8). Identifiers: Orphanet 65, MedGen C3151202, MONDO:0013453, OMIM 613835.

Submissions (2):

Labcorp Genetics (formerly Invitae), Labcorp
Classification: Pathogenic for Leber congenital amaurosis 8; Retinitis pigmentosa 12. Last evaluated: 2024-01-29. Review status: criteria provided, single submitter. Criteria: Invitae Variant Classification Sherloc (09022015). Collection method: clinical testing. Allele origin: germline.
Comment: This sequence change creates a premature translational stop signal (p.Ile211Tyrfs*12) in the CRB1 gene. It is expected to result in an absent or disrupted protein product. Loss-of-function variants in CRB1 are known to be pathogenic (PMID: 10508521, 22065545, 23379534, 25412400, 26957898, 28041643, 29391521). This variant is not present in population databases (gnomAD no frequency). This variant has not been reported in the literature in individuals affected with CRB1-related conditions. For these reasons, this variant has been classified as Pathogenic.

Blueprint Genetics
Classification: Likely pathogenic for CRB1-related disorders. Last evaluated: 2019-03-01. Review status: criteria provided, single submitter. Criteria: ACMG Guidelines, 2015. Collection method: clinical testing. Allele origin: germline. Affected: yes. Observed: 1 variant allele.

Literature cited by the submitters: PubMed 10508521 (cited by Labcorp Genetics (formerly Invitae), Labcorp); PubMed 22065545 (cited by Labcorp Genetics (formerly Invitae), Labcorp); PubMed 23379534 (cited by Labcorp Genetics (formerly Invitae), Labcorp); PubMed 25412400 (cited by Labcorp Genetics (formerly Invitae), Labcorp); PubMed 26957898 (cited by Labcorp Genetics (formerly Invitae), Labcorp); PubMed 28041643 (cited by Labcorp Genetics (formerly Invitae), Labcorp); PubMed 29391521 (cited by Labcorp Genetics (formerly Invitae), Labcorp).

NM_201253.3(CRB1):c.630dup (p.Ile211fs)

Gene: CRB1 (crumbs cell polarity complex component 1; plus strand). Cytogenetic location: 1q31.3.
Variant type: Duplication.
Coding change: c.630dup on transcript NM_201253.3 (MANE Select); coding-DNA position 630, one base duplicated (T; older notation c.630dupT).
Protein change: p.Ile211fs; shifts the reading frame from isoleucine 211.
Molecular consequence: frameshift variant. On other transcripts: non-coding transcript variant (2).
Genome position (GRCh38, 1-based): chr1:197,328,981, T duplicated. VCF-style (leftmost placement, unchanged base first): chr1-197328980-G-GT. GRCh37 (hg19) VCF-style: chr1-197298110-G-GT.
Other names: c.630dup, p.Ile211fs (NM_001193640.2, NM_001257966.2); c.423dup, p.Ile142fs (NM_001257965.2); short protein forms I211fs, I142fs.
Identifiers: ClinVar variation 2922686 (VCV002922686.4), dbSNP rs2465033087, ClinGen allele CA2740090435.